The following is an entry in ClinVar:

ClinVar aggregate classification (germline): Uncertain significance (1 of 4 stars; one submission).

Conditions:
Primary hypomagnesemia (HOMG3). Also called: HYPOMAGNESEMIA 3, RENAL; HYPOMAGNESEMIA, FAMILIAL, WITH HYPERCALCIURIA AND NEPHROCALCINOSIS; HYPOMAGNESEMIA, ISOLATED RENAL; HYPOMAGNESEMIA, PRIMARY, DUE TO DEFECT IN RENAL TUBULAR TRANSPORT OF MAGNESIUM. Identifiers: Orphanet 31043, MedGen C0268448, MONDO:0009550, OMIM 248250.

gnomAD v4.1: 1 of 1,614,134 alleles (0.000062%); highest among the groups gnomAD compares: Non-Finnish European, 0.000085%; no homozygotes.

Submission:

MVZ Medizinische Genetik Mainz
Classification: Uncertain significance for Primary hypomagnesemia. Last evaluated: 2026-07-16. Review status: criteria provided, single submitter. Criteria: UK Practice Guidelines For Variant Classification V4 01 2020. Collection method: clinical testing. Allele origin: germline. Inheritance: Autosomal recessive inheritance. Affected: yes. Observed: 1 variant allele.
Comment: ACMG Criteria: PP3_MOD,PM2_SUP,PM3_SUP

NM_006580.4(CLDN16):c.409T>A (p.Trp137Arg)

Gene: CLDN16 (claudin 16; plus strand). Cytogenetic location: 3q28.
Variant type: single nucleotide variant.
Coding change: c.409T>A on transcript NM_006580.4 (MANE Select); coding-DNA position 409, T replaced by A.
Protein change: p.Trp137Arg; replaces tryptophan 137 with arginine.
Molecular consequence: missense variant.
Genome position (GRCh38, 1-based): chr3:190,408,340, T>A. VCF-style: chr3-190408340-T-A. GRCh37 (hg19) VCF-style: chr3-190126129-T-A.
Other names: c.409T>A, p.Trp137Arg (NM_001378492.1, NM_001378493.1); short protein forms W137R.
Identifiers: ClinVar variation 4879876 (VCV004879876.1).